The following is an entry in ClinVar:

ClinVar aggregate classification (germline): Uncertain significance (1 of 4 stars; one submission).

Allele frequency attached by ClinVar (database versions not stated): gnomAD exomes below 0.00001.
gnomAD v4.1: 1 of 1,605,532 alleles (0.000062%); highest among the groups gnomAD compares: Middle Eastern, 0.017%; no homozygotes.

Submission:

Labcorp Genetics (formerly Invitae), Labcorp
Classification: Uncertain significance. Last evaluated: 2023-12-17. Review status: criteria provided, single submitter. Criteria: Invitae Variant Classification Sherloc (09022015). Collection method: clinical testing. Allele origin: germline.
Comment: This sequence change replaces serine, which is neutral and polar, with phenylalanine, which is neutral and non-polar, at codon 793 of the NAA15 protein (p.Ser793Phe). This variant is not present in population databases (gnomAD no frequency). This variant has not been reported in the literature in individuals affected with NAA15-related conditions. An algorithm developed to predict the effect of missense changes on protein structure and function (PolyPhen-2) suggests that this variant is likely to be tolerated. In summary, the available evidence is currently insufficient to determine the role of this variant in disease. Therefore, it has been classified as a Variant of Uncertain Significance.

NM_057175.5(NAA15):c.2378C>T (p.Ser793Phe)

Gene: NAA15 (N-alpha-acetyltransferase 15, NatA auxiliary subunit; plus strand). Cytogenetic location: 4q31.1.
Variant type: single nucleotide variant.
Coding change: c.2378C>T on transcript NM_057175.5 (MANE Select); coding-DNA position 2378, C replaced by T.
Protein change: p.Ser793Phe; replaces serine 793 with phenylalanine.
Molecular consequence: missense variant.
Genome position (GRCh38, 1-based): chr4:139,386,208, C>T. VCF-style: chr4-139386208-C-T. GRCh37 (hg19) VCF-style: chr4-140307362-C-T.
Other names: c.2375C>T, p.Ser792Phe (NM_001410842.1); c.*787C>T (NM_025085.2); short protein forms S793F, S792F.
Identifiers: ClinVar variation 2703643 (VCV002703643.3), dbSNP rs2530485186, ClinGen allele CA358270960.